The following is an entry in ClinVar:

NM_032043.3(BRIP1):c.769_777dup (p.Ala257_Ile259dup)

Gene: BRIP1 (BRCA1 interacting DNA helicase 1; minus strand). Cytogenetic location: 17q23.2.
Variant type: Duplication.
Coding change: c.769_777dup on transcript NM_032043.3 (MANE Select); coding-DNA positions 769 to 777, 9 bases duplicated (GCTCAGATT; older notation c.769_777dupGCTCAGATT).
Protein change: p.Ala257_Ile259dup.
Molecular consequence: inframe insertion.
Genome position (GRCh38, 1-based): chr17:61,808,608-61,808,616, AATCTGAGC duplicated on the plus strand (GCTCAGATT on the coding strand, the reverse complement: BRIP1 is on the minus strand); duplicating any 9 consecutive bases within chr17:61,808,608-61,808,622 gives the same sequence; the c. name uses the placement nearest the transcript's 3' end. VCF-style (leftmost placement, unchanged base first): chr17-61808607-T-TAATCTGAGC. GRCh37 (hg19) VCF-style: chr17-59885968-T-TAATCTGAGC.
Other names: c.769_777dupGCTCAGATT (NM_032043.2).
Identifiers: ClinVar variation 661203 (VCV000661203.12), dbSNP rs1603346813, ClinGen allele CA915950717.

ClinVar aggregate classification (germline): Uncertain significance. Review status: criteria provided, multiple submitters, no conflicts (2 of 4 stars). 2 submissions from 2 submitters: Uncertain significance (2). Last evaluated 2020-11-21.

Conditions:
Hereditary cancer-predisposing syndrome. Also called: Neoplastic Syndromes, Hereditary; Hereditary neoplastic syndrome; Tumor predisposition; Hereditary Cancer Syndrome. Identifiers: Orphanet 140162, MedGen C0027672, MeSH D009386, MONDO:0015356.
Familial cancer of breast. Also called: Hereditary breast cancer; BREAST CANCER, FAMILIAL; hereditary breast carcinoma. Identifiers: Orphanet 227535, MedGen C0346153, MONDO:0016419, OMIM 114480. Disease mechanism: loss of function.
Fanconi anemia complementation group J. Also called: BRIP1-Related Fanconi Anemia. Identifiers: Orphanet 84, MedGen C1836860, MONDO:0012187, OMIM 609054.

Submissions (2):

Labcorp Genetics (formerly Invitae), Labcorp
Classification: Uncertain significance for Familial cancer of breast; Fanconi anemia complementation group J. Last evaluated: 2020-11-21. Review status: criteria provided, single submitter. Criteria: Invitae Variant Classification Sherloc (09022015). Collection method: clinical testing. Allele origin: germline.
Comment: This variant, c.769_777dup, results in the insertion of 3 amino acids to the BRIP1 protein (p.Ala257_Ile259dup), but otherwise preserves the integrity of the reading frame. This variant is not present in population databases (ExAC no frequency). This variant has not been reported in the literature in individuals with BRIP1-related conditions. Experimental studies and prediction algorithms are not available for this variant, and the functional significance of the affected amino acid(s) is currently unknown. In summary, the available evidence is currently insufficient to determine the role of this variant in disease. Therefore, it has been classified as a Variant of Uncertain Significance.

Ambry Genetics
Classification: Uncertain significance for Hereditary cancer-predisposing syndrome. Last evaluated: 2020-09-10. Review status: criteria provided, single submitter. Criteria: Ambry Variant Classification Scheme 2023. Collection method: clinical testing. Allele origin: germline.
Comment: The c.769_777dupGCTCAGATT variant (also known as p.A257_I259dup), located in coding exon 6 of the BRIP1 gene, results from an in-frame duplication of GCTCAGATT at nucleotide positions 769 to 777. This results in the duplication of 3 extra residues (AQI) between codons 257 and 259. This amino acid region is well conserved in available vertebrate species. In addition, this alteration is predicted to be deleterious by in silico analysis (Choi Y et al. PLoS ONE. 2012; 7(10):e46688). Since supporting evidence is limited at this time, the clinical significance of this alteration remains unclear.